The following is an entry in ClinVar:

ClinVar aggregate classification (germline): Uncertain significance. Review status: criteria provided, multiple submitters, no conflicts (2 of 4 stars). 3 submissions from 3 submitters: Uncertain significance (3). Last evaluated 2025-12-16.

Conditions:
Inborn genetic diseases. Identifiers: MedGen C0950123, MeSH D030342.

Allele frequency attached by ClinVar (database versions not stated): gnomAD 0.00012 and 0.00011; TOPMed 0.00005; gnomAD exomes 0.00007; ExAC 0.00008; ESP Exome Variant Server 0.00008.
gnomAD v4.1: 56 of 1,561,424 alleles (0.0036%); highest among the groups gnomAD compares: South Asian, 0.011%; no homozygotes.

Submissions (3):

Ambry Genetics
Classification: Uncertain significance for Inborn genetic diseases. Last evaluated: 2025-12-16. Review status: criteria provided, single submitter. Criteria: Ambry Variant Classification Scheme 2023. Collection method: clinical testing. Allele origin: germline.

Labcorp Genetics (formerly Invitae), Labcorp
Classification: Uncertain significance. Last evaluated: 2025-10-18. Review status: criteria provided, single submitter. Criteria: Invitae Variant Classification Sherloc (09022015). Collection method: clinical testing. Allele origin: germline.
Comment: This sequence change replaces arginine, which is basic and polar, with histidine, which is basic and polar, at codon 352 of the COL9A1 protein (p.Arg352His). This variant is present in population databases (rs200540554, gnomAD 0.02%). This variant has not been reported in the literature in individuals affected with COL9A1-related conditions. ClinVar contains an entry for this variant (Variation ID: 968531). Invitae Evidence Modeling of protein sequence and biophysical properties (such as structural, functional, and spatial information, amino acid conservation, physicochemical variation, residue mobility, and thermodynamic stability) indicates that this missense variant is not expected to disrupt COL9A1 protein function with a negative predictive value of 95%. In summary, the available evidence is currently insufficient to determine the role of this variant in disease. Therefore, it has been classified as a Variant of Uncertain Significance.

GeneDx
Classification: Uncertain significance. Last evaluated: 2023-02-06. Review status: criteria provided, single submitter. Criteria: GeneDx Variant Classification Process June 2021. Collection method: clinical testing. Allele origin: germline. Affected: yes.
Comment: In silico analysis supports that this missense variant does not alter protein structure/function; Has not been previously published as pathogenic or benign to our knowledge

NM_001851.6(COL9A1):c.1055G>A (p.Arg352His)

Gene: COL9A1 (collagen type IX alpha 1 chain; minus strand). Cytogenetic location: 6q13.
Variant type: single nucleotide variant.
Coding change: c.1055G>A on transcript NM_001851.6 (MANE Select); coding-DNA position 1055, G replaced by A.
Protein change: p.Arg352His; replaces arginine 352 with histidine.
Molecular consequence: missense variant. On other transcripts: non-coding transcript variant (1).
Genome position (GRCh38, 1-based): chr6:70,274,057, C>T on the plus strand (G>A on the coding strand, the complement: COL9A1 is on the minus strand). VCF-style: chr6-70274057-C-T. GRCh37 (hg19) VCF-style: chr6-70983760-C-T.
Other names: c.326G>A, p.Arg109His (NM_001377289.1, NM_001377290.1, NM_078485.4); short protein forms R109H, R352H.
Identifiers: ClinVar variation 968531 (VCV000968531.8), dbSNP rs200540554, ClinGen allele CA3882474.